The following is an entry in ClinVar:

ClinVar aggregate classification (germline): Uncertain significance (1 of 4 stars; one submission).

Submission:

Labcorp Genetics (formerly Invitae), Labcorp
Classification: Uncertain significance. Last evaluated: 2020-07-09. Review status: criteria provided, single submitter. Criteria: Invitae Variant Classification Sherloc (09022015). Collection method: clinical testing. Allele origin: germline.
Comment: In summary, the available evidence is currently insufficient to determine the role of this variant in disease. Therefore, it has been classified as a Variant of Uncertain Significance. Algorithms developed to predict the effect of missense changes on protein structure and function are either unavailable or do not agree on the potential impact of this missense change (SIFT: "Not Available"; PolyPhen-2: "Probably Damaging"; Align-GVGD: "Not Available"). This variant has not been reported in the literature in individuals with PTH1R-related conditions. This variant is not present in population databases (ExAC no frequency). This sequence change replaces phenylalanine with alanine at codon 314 of the PTH1R protein (p.Phe314Ala). The phenylalanine residue is highly conserved and there is a moderate physicochemical difference between phenylalanine and alanine.

NM_000316.3(PTH1R):c.940_941delinsGC (p.Phe314Ala)

Gene: PTH1R (parathyroid hormone 1 receptor; plus strand). Cytogenetic location: 3p21.31.
Variant type: Indel.
Coding change: c.940_941delinsGC on transcript NM_000316.3 (MANE Select); coding-DNA positions 940 to 941, TT replaced by GC.
Protein change: p.Phe314Ala; replaces phenylalanine 314 with alanine.
Molecular consequence: missense variant.
Genome position (GRCh38, 1-based): chr3:46,899,408-46,899,409, TT replaced by GC. VCF-style: chr3-46899408-TT-GC. GRCh37 (hg19) VCF-style: chr3-46940898-TT-GC.
Other names: c.940_941delinsGC, p.Phe314Ala (NM_001184744.1); short protein forms F314A.
Identifiers: ClinVar variation 999440 (VCV000999440.3), dbSNP rs2031979368, ClinGen allele CA1362311660.